The following is an entry in ClinVar:

ClinVar aggregate classification (germline): Likely pathogenic (1 of 4 stars; one submission).

Conditions:
MHC class II deficiency. Also called: BLS, TYPE II; Bare lymphocyte syndrome 2. Identifiers: Orphanet 572, MedGen C5447452, MONDO:0008855.

Submission:

School of Computer Science, University of Waterloo
Classification: Likely pathogenic for MHC class II deficiency 1. Last evaluated: 2021-05-06. Review status: criteria provided, single submitter. Criteria: ACMG Guidelines, 2015. Collection method: clinical testing. Allele origin: germline. Affected: no. Observed: 52 variant alleles.
Comment: Evidence categories PVS1 and PM2 in ACMG guidelines. This is a splice donor variant in gene RFX5 that may disrupt mRNA splicing and result in an absent or disrupted protein product. Its corresponding splice acceptor NC_000001.11:g.151344848C>T for the same exon 6 of transcript NM_001025603.2 had been reported as pathogenic for Bare lymphocyte syndrome, type II (ClinVar 7646).

NM_001025603.2(RFX5):c.353+2T>G

Gene: RFX5 (regulatory factor X5; minus strand). Cytogenetic location: 1q21.3.
Variant type: single nucleotide variant.
Coding change: c.353+2T>G on transcript NM_001025603.2 (MANE Select); the canonical splice donor site of the intron after coding-DNA position 353, T replaced by G.
Molecular consequence: splice donor variant. On other transcripts: intron variant (2).
Genome position (GRCh38, 1-based): chr1:151,344,726, A>C on the plus strand (T>G on the coding strand, the complement: RFX5 is on the minus strand). VCF-style: chr1-151344726-A-C. GRCh37 (hg19) VCF-style: chr1-151317202-A-C.
Other names: c.234-190T>G (NM_001379419.1, NM_001379420.1); c.353+2T>G (NM_000449.4, NM_001379413.1, NM_001379417.1 and 5 more transcripts).
Identifiers: ClinVar variation 1065632 (VCV001065632.2), dbSNP rs1183832067, ClinGen allele CA341942285.